The following is an entry in ClinVar:

ClinVar aggregate classification (germline): Benign/Likely benign. Review status: criteria provided, multiple submitters, no conflicts (2 of 4 stars). 2 submissions from 2 submitters: Benign (1); Likely benign (1). Last evaluated 2026-03-01.

Allele frequency attached by ClinVar (database versions not stated): gnomAD 0.00021 and 0.00035; TOPMed 0.00021; gnomAD exomes 0.00037 and 0.00071; ExAC 0.00066; 1000 Genomes Project 0.00140; 1000 Genomes Project 30x 0.00141.
gnomAD v4.1: 610 of 1,612,588 alleles (0.038%); highest among the groups gnomAD compares: South Asian, 0.4%; 3 homozygotes.

Submissions (2):

CeGaT Center for Human Genetics Tuebingen
Classification: Likely benign. Last evaluated: 2026-03-01. Review status: criteria provided, single submitter. Criteria: CeGaT Center For Human Genetics Tuebingen Variant Classification Criteria Version 2. Collection method: clinical testing. Allele origin: germline. Affected: yes. Observed: 2 variant alleles.
Comment: ATP8A2: BP4, BP7

Labcorp Genetics (formerly Invitae), Labcorp
Classification: Benign. Last evaluated: 2026-01-10. Review status: criteria provided, single submitter. Criteria: Invitae Variant Classification Sherloc (09022015). Collection method: clinical testing. Allele origin: germline.

NM_016529.6(ATP8A2):c.2550G>A (p.Ser850=)

Gene: ATP8A2 (ATPase phospholipid transporting 8A2). Cytogenetic location: 13q12.13.
Variant type: single nucleotide variant.
Coding change: c.2550G>A on transcript NM_016529.6 (MANE Select); coding-DNA position 2550, G replaced by A.
Protein change: p.Ser850=; no amino-acid change (serine 850 retained).
Molecular consequence: synonymous variant.
Genome position (GRCh38, 1-based): chr13:25,769,211, G>A. VCF-style: chr13-25769211-G-A. GRCh37 (hg19) VCF-style: chr13-26343349-G-A.
Other names: c.2430G>A, p.Ser810= (NM_001313741.1).
Identifiers: ClinVar variation 1164162 (VCV001164162.23), dbSNP rs199515912, ClinGen allele CA6923353.